The following is an entry in ClinVar:

ClinVar aggregate classification (germline): Likely pathogenic (1 of 4 stars; one submission).

Conditions:
Dilated cardiomyopathy 1G (CMD1G). Identifiers: Orphanet 154, MedGen C1858763, MONDO:0011400, OMIM 604145.

Submission:

KardioGenetik, Herz- und Diabeteszentrum NRW
Classification: Likely pathogenic for Dilated cardiomyopathy 1G. Last evaluated: 2025-08-14. Review status: criteria provided, single submitter. Criteria: ACMG Guidelines, 2015. Collection method: clinical testing. Allele origin: unknown. Affected: yes. Observed: 1 variant allele.
Comment: The TTN variant NM_001267550.2:c.91136del has not been reported in the scientific literature or databases. It is absent in the general population cohorts of the gnomAD database, with an allele frequency of zero (PM2_supporting). This TTN variant is located in the rigid A band of titin. The deletion of 1 nucleotide results in a frameshift that introduces a premature stop codon (PVS1). This results in haploinsufficiency, consistent with the pathomechanism documented by the Clinical Genome Resource (ClinGen) for truncating TTN variants associated with DCM. Based on the evidence outlined above, the variant was classified as likely pathogenic.

NM_001267550.2(TTN):c.91136del (p.Ile30379fs)

Genes: TTN (titin; minus strand), TTN-AS1 (TTN antisense RNA 1; plus strand). Cytogenetic location: 2q31.2.
Variant type: Deletion.
Coding change: c.91136del on transcript NM_001267550.2 (MANE Select); coding-DNA position 91136, one base deleted (T; older notation c.91136delT).
Protein change: p.Ile30379fs; shifts the reading frame from isoleucine 30379.
Molecular consequence: frameshift variant.
Genome position (GRCh38, 1-based): chr2:178,551,764, A deleted on the plus strand (T on the coding strand, the reverse complement: TTN is on the minus strand). VCF-style (leftmost placement, unchanged base first): chr2-178551763-GA-G. GRCh37 (hg19) VCF-style: chr2-179416490-GA-G.
Other names: c.86213del, p.Ile28738fs (NM_001256850.1); c.63941del, p.Ile21314fs (NM_003319.4); c.83432del, p.Ile27811fs (NM_133378.4); c.64316del, p.Ile21439fs (NM_133432.3); c.64517del, p.Ile21506fs (NM_133437.4); short protein forms I21314fs, I21439fs, I21506fs, I27811fs, I28738fs, I30379fs.
Identifiers: ClinVar variation 4086931 (VCV004086931.1).